The following is an entry in ClinVar:

ClinVar aggregate classification (germline): Uncertain significance. Review status: criteria provided, multiple submitters, no conflicts (2 of 4 stars). 2 submissions from 2 submitters: Uncertain significance (2). Last evaluated 2025-09-24.

Conditions:
Inborn genetic diseases. Identifiers: MedGen C0950123, MeSH D030342.
SIN3A-related intellectual disability syndrome due to a point mutation. Also called: 15q24 Microdeletion Syndrome; WITTEVEEN-KOLK SYNDROME. Identifiers: Orphanet 500166, Orphanet 94065, MedGen C4310804, MONDO:0044700, OMIM 613406.

Allele frequency attached by ClinVar (database versions not stated): gnomAD exomes below 0.00001; TOPMed below 0.00001; ExAC 0.00001.

Submissions (2):

Ambry Genetics
Classification: Uncertain significance for Inborn genetic diseases. Last evaluated: 2025-09-24. Review status: criteria provided, single submitter. Criteria: Ambry Variant Classification Scheme 2023. Collection method: clinical testing. Allele origin: germline.
Comment: The c.1373A>G (p.H458R) alteration is located in exon 9 (coding exon 8) of the SIN3A gene. This alteration results from a A to G substitution at nucleotide position 1373, causing the histidine (H) at amino acid position 458 to be replaced by an arginine (R). Based on data from gnomAD, the G allele has an overall frequency of <0.001% (1/250536) total alleles studied. The highest observed frequency was 0.003% (1/34082) of Latino alleles. Based on insufficient or conflicting evidence, the clinical significance of this alteration remains unclear.

New York Genome Center
Classification: Uncertain significance for SIN3A-related intellectual disability syndrome due to a point mutation. Last evaluated: 2020-11-04. Review status: criteria provided, single submitter. Criteria: NYGC Assertion Criteria 2020. Collection method: clinical testing. Allele origin: inherited. Observed: 1 heterozygote. Study: CSER-NYCKidSeq.
Comment: The inherited heterozygous c.1373A>G(p.His458Arg) variant identified in the SIN3A gene has not been reported in affected individuals in the available literature. The variant is absent from gnomAD(v3) database indicating it is an extremely rare allele in the populations represented in that database. The variant affects an evolutionarily conserved residue and is predicted deleterious by multiple in silico prediction tools. Given the lack of compelling evidence for its pathogenicity, the inherited heterozygous c.1373A>G(p.His458Arg) variant identified in the SIN3A gene is reported as a variant of uncertain significance.

NM_001145358.2(SIN3A):c.1373A>G (p.His458Arg)

Gene: SIN3A (SIN3 transcription regulator family member A; minus strand). Cytogenetic location: 15q24.2.
Variant type: single nucleotide variant.
Coding change: c.1373A>G on transcript NM_001145358.2 (MANE Select); coding-DNA position 1373, A replaced by G.
Protein change: p.His458Arg; replaces histidine 458 with arginine.
Molecular consequence: missense variant.
Genome position (GRCh38, 1-based): chr15:75,407,089, T>C on the plus strand (A>G on the coding strand, the complement: SIN3A is on the minus strand). VCF-style: chr15-75407089-T-C. GRCh37 (hg19) VCF-style: chr15-75699430-T-C.
Other names: c.1373A>G, p.His458Arg (NM_001145357.2, NM_015477.3); short protein forms H458R.
Identifiers: ClinVar variation 1213737 (VCV001213737.2), dbSNP rs768415150, ClinGen allele CA7667662.